The following is an entry in ClinVar:

ClinVar aggregate classification (germline): Uncertain significance (1 of 4 stars; one submission).

Conditions:
Neuropathy, hereditary sensory and autonomic, type 2A (HSAN2A). Also called: ACROOSTEOLYSIS, GIACCAI TYPE; ACROOSTEOLYSIS, NEUROGENIC; MORVAN DISEASE; NEUROPATHY, CONGENITAL SENSORY; NEUROPATHY, HEREDITARY SENSORY RADICULAR, AUTOSOMAL RECESSIVE; NEUROPATHY, HEREDITARY SENSORY, TYPE IIA. Identifiers: Orphanet 970, MedGen C2752089, MONDO:0024309, OMIM 201300.
Pseudohypoaldosteronism type 2C (PHA2C). Also called: Pseudohypoaldosteronism Type IIC. Identifiers: Orphanet 757, Orphanet 88940, MedGen C1840391, MONDO:0013778, OMIM 614492.

gnomAD v4.1: 2 of 1,614,040 alleles (0.00012%); highest among the groups gnomAD compares: Non-Finnish European, 0.000085%; no homozygotes.

Submission:

Labcorp Genetics (formerly Invitae), Labcorp
Classification: Uncertain significance for Neuropathy, hereditary sensory and autonomic, type 2A; Pseudohypoaldosteronism type 2C. Last evaluated: 2024-08-16. Review status: criteria provided, single submitter. Criteria: Invitae Variant Classification Sherloc (09022015). Collection method: clinical testing. Allele origin: germline.
Comment: This sequence change replaces histidine, which is basic and polar, with tyrosine, which is neutral and polar, at codon 1209 of the WNK1 protein (p.His1209Tyr). This variant is present in population databases (no rsID available, gnomAD 0.0009%). This variant has not been reported in the literature in individuals affected with WNK1-related conditions. Invitae Evidence Modeling of protein sequence and biophysical properties (such as structural, functional, and spatial information, amino acid conservation, physicochemical variation, residue mobility, and thermodynamic stability) indicates that this missense variant is not expected to disrupt WNK1 protein function with a negative predictive value of 95%. In summary, the available evidence is currently insufficient to determine the role of this variant in disease. Therefore, it has been classified as a Variant of Uncertain Significance.

NM_213655.5(WNK1):c.3625C>T (p.His1209Tyr)

Gene: WNK1 (WNK lysine deficient protein kinase 1; plus strand). Cytogenetic location: 12p13.33.
Variant type: single nucleotide variant.
Coding change: c.3625C>T on transcript NM_213655.5 (MANE Plus Clinical); coding-DNA position 3625, C replaced by T.
Protein change: p.His1209Tyr; replaces histidine 1209 with tyrosine.
Molecular consequence: missense variant. On other transcripts: intron variant (2).
Genome position (GRCh38, 1-based): chr12:869,096, C>T. VCF-style: chr12-869096-C-T. GRCh37 (hg19) VCF-style: chr12-978262-C-T.
Other names: c.3370C>T, p.His1124Tyr (NM_001184985.2); c.2140-2169C>T (NM_018979.4, NM_014823.3); short protein forms H1124Y, H1209Y.
Identifiers: ClinVar variation 3752303 (VCV003752303.2).